The following is an entry in ClinVar:

NM_177438.3(DICER1):c.3529G>T (p.Gly1177Cys)

Gene: DICER1 (dicer 1, ribonuclease III; minus strand). Cytogenetic location: 14q32.13.
Variant type: single nucleotide variant.
Coding change: c.3529G>T on transcript NM_177438.3 (MANE Select); coding-DNA position 3529, G replaced by T.
Protein change: p.Gly1177Cys; replaces glycine 1177 with cysteine.
Molecular consequence: missense variant.
Genome position (GRCh38, 1-based): chr14:95,103,867, C>A on the plus strand (G>T on the coding strand, the complement: DICER1 is on the minus strand). VCF-style: chr14-95103867-C-A. GRCh37 (hg19) VCF-style: chr14-95570204-C-A.
Other names: c.3529G>T, p.Gly1177Cys (NM_001195573.1, NM_001271282.3, NM_001291628.2 and 1 more transcripts); short protein forms G1177C.
Identifiers: ClinVar variation 823887 (VCV000823887.14), dbSNP rs1486689185, ClinGen allele CA390875052.

ClinVar aggregate classification (germline): Uncertain significance. Review status: criteria provided, multiple submitters, no conflicts (2 of 4 stars). 2 submissions from 2 submitters: Uncertain significance (2). Last evaluated 2024-08-13.

Conditions:
DICER1-related tumor predisposition. Also called: DICER1-related pleuropulmonary blastoma cancer predisposition syndrome; DICER1 syndrome. Identifiers: Orphanet 284343, MedGen C3839822, MONDO:0100216.
Hereditary cancer-predisposing syndrome. Also called: Neoplastic Syndromes, Hereditary; Hereditary Cancer Syndrome; Hereditary neoplastic syndrome; Tumor predisposition. Identifiers: Orphanet 140162, MedGen C0027672, MeSH D009386, MONDO:0015356.

Allele frequency attached by ClinVar (database versions not stated): gnomAD exomes below 0.00001 and 0.00001; gnomAD 0.00001.
gnomAD v4.1: 9 of 1,614,012 alleles (0.00056%); highest among the groups gnomAD compares: South Asian, 0.0099%; no homozygotes.

Submissions (2):

Labcorp Genetics (formerly Invitae), Labcorp
Classification: Uncertain significance for DICER1-related tumor predisposition. Last evaluated: 2024-08-13. Review status: criteria provided, single submitter. Criteria: Invitae Variant Classification Sherloc (09022015). Collection method: clinical testing. Allele origin: germline.
Comment: This sequence change replaces glycine, which is neutral and non-polar, with cysteine, which is neutral and slightly polar, at codon 1177 of the DICER1 protein (p.Gly1177Cys). This variant is present in population databases (no rsID available, gnomAD 0.003%). This variant has not been reported in the literature in individuals affected with DICER1-related conditions. ClinVar contains an entry for this variant (Variation ID: 823887). Advanced modeling of protein sequence and biophysical properties (such as structural, functional, and spatial information, amino acid conservation, physicochemical variation, residue mobility, and thermodynamic stability) performed at Invitae indicates that this missense variant is not expected to disrupt DICER1 protein function with a negative predictive value of 80%. In summary, the available evidence is currently insufficient to determine the role of this variant in disease. Therefore, it has been classified as a Variant of Uncertain Significance.

Ambry Genetics
Classification: Uncertain significance for Hereditary cancer-predisposing syndrome. Last evaluated: 2024-04-05. Review status: criteria provided, single submitter. Criteria: Ambry Variant Classification Scheme 2023. Collection method: clinical testing. Allele origin: germline.
Comment: The p.G1177C variant (also known as c.3529G>T), located in coding exon 20 of the DICER1 gene, results from a G to T substitution at nucleotide position 3529. The glycine at codon 1177 is replaced by cysteine, an amino acid with highly dissimilar properties. This amino acid position is highly conserved in available vertebrate species. In addition, this alteration is predicted to be deleterious by in silico analysis. Since supporting evidence is limited at this time, the clinical significance of this alteration remains unclear.